The following is an entry in ClinVar:

NM_000263.4(NAGLU):c.2021G>A (p.Arg674His)

Gene: NAGLU (N-acetyl-alpha-glucosaminidase; plus strand). Cytogenetic location: 17q21.2.
Variant type: single nucleotide variant.
Coding change: c.2021G>A on transcript NM_000263.4 (MANE Select); coding-DNA position 2021, G replaced by A.
Protein change: p.Arg674His; replaces arginine 674 with histidine.
Molecular consequence: missense variant.
Genome position (GRCh38, 1-based): chr17:42,544,027, G>A. VCF-style: chr17-42544027-G-A. GRCh37 (hg19) VCF-style: chr17-40696045-G-A.
Other names: short protein forms R674H.
Identifiers: ClinVar variation 1560 (VCV000001560.21), dbSNP rs104894590, ClinGen allele CA115042.
Genomic context (GRCh38, chr17:42,544,027, plus strand): 5'-ACATCCTGGACTATGCCAACAAGCAGCTGGCGGGGTTGGTGGCCAACTACTACACCCCTC[G>A]CTGGCGGCTTTTCCTGGAGGCGCTGGTTGACAGTGTGGCCCAGGGCATCCCTTTCCAACA-3'
Protein context (NP_000254.2, residues 664-684): AGLVANYYTP[Arg674His]WRLFLEALVD

ClinVar aggregate classification (germline): Pathogenic. Review status: criteria provided, multiple submitters, no conflicts (2 of 4 stars). 10 submissions from 10 submitters: Pathogenic (7). 3 of the submissions do not count toward it. Last evaluated 2025-10-07.

Conditions:
Charcot-Marie-Tooth disease axonal type 2V. Also called: CHARCOT-MARIE-TOOTH NEUROPATHY, TYPE 2V; CHARCOT-MARIE-TOOTH DISEASE, AXONAL, AUTOSOMAL DOMINANT, TYPE 2V. Identifiers: Orphanet 447964, MedGen C5569050, MONDO:0014665, OMIM 616491.
Mucopolysaccharidosis, MPS-III-B (MPS3B). Also called: MUCOPOLYSACCHARIDOSIS, TYPE IIIB; N-ACETYL-ALPHA-D-GLUCOSAMINIDASE DEFICIENCY; NAGLU DEFICIENCY; MPS III B; Mucopolysaccharidosis type IIIB (Sanfilippo B); MPS IIIB (Sanfilippo Syndrome Type B). Identifiers: Orphanet 79270, MedGen C0086648, MONDO:0009656, OMIM 252920.

Allele frequency attached by ClinVar (database versions not stated): gnomAD 0.00003; gnomAD exomes 0.00002; TOPMed 0.00002; ExAC 0.00002.

Submissions (10):

Labcorp Genetics (formerly Invitae), Labcorp
Classification: Pathogenic for Charcot-Marie-Tooth disease axonal type 2V; Mucopolysaccharidosis, MPS-III-B. Last evaluated: 2025-10-07. Review status: criteria provided, single submitter. Criteria: Invitae Variant Classification Sherloc (09022015). Collection method: clinical testing. Allele origin: germline.
Comment: This sequence change replaces arginine, which is basic and polar, with histidine, which is basic and polar, at codon 674 of the NAGLU protein (p.Arg674His). This variant is present in population databases (rs104894590, gnomAD 0.003%). This missense change has been observed in individual(s) with MPS IIIB (PMID: 8650226, 9443875, 9950362, 20852935). ClinVar contains an entry for this variant (Variation ID: 1560). Invitae Evidence Modeling of protein sequence and biophysical properties (such as structural, functional, and spatial information, amino acid conservation, physicochemical variation, residue mobility, and thermodynamic stability) indicates that this missense variant is expected to disrupt NAGLU protein function with a positive predictive value of 95%. Experimental studies have shown that this missense change affects NAGLU function (PMID: 9443878). This variant disrupts the p.Arg674 amino acid residue in NAGLU. Other variant(s) that disrupt this residue have been determined to be pathogenic (PMID: 9443875, 10094189). This suggests that this residue is clinically significant, and that variants that disrupt this residue are likely to be disease-causing. For these reasons, this variant has been classified as Pathogenic.

Natera, Inc.
Classification: Pathogenic for Mucopolysaccharidosis type IIIB. Last evaluated: 2025-09-29. Review status: criteria provided, single submitter. Criteria: Natera Variant Classification Schema (03/2026). Collection method: clinical testing. Allele origin: germline.
Comment: The c.2021G>A variant in NAGLU is a missense variant predicted to cause substitution of arginine to histidine at amino acid 674. This variant is rare in the general population with a frequency below the threshold expected for the associated phenotype(s). This variant has been observed in one or more individuals affected with the associated recessive disease, as either homozygous or compound heterozygous with a second variant (PMID: 9443875). Given the available evidence, this variant is classified as Pathogenic.

GeneDx
Classification: Pathogenic. Last evaluated: 2024-05-14. Review status: criteria provided, single submitter. Criteria: GeneDx Variant Classification Process June 2021. Collection method: clinical testing. Allele origin: germline. Affected: yes.
Comment: Published functional studies demonstrate that R674H is associated with decreased a-N-acetylglucosaminidase activity compared to wild-type (PMID: 9443878); In silico analysis supports that this missense variant has a deleterious effect on protein structure/function; Not observed at significant frequency in large population cohorts (gnomAD); This variant is associated with the following publications: (PMID: 34806811, 38224868, 29979746, 20852935, 8650226, 9443875, 9950362, 9443878)

Clinical Genetics DNA and cytogenetics Diagnostics Lab, Erasmus MC, Erasmus Medical Center
Classification: Pathogenic for Mucopolysaccharidosis, MPS-III-B. Last evaluated: 2015-09-21. Review status: criteria provided, single submitter. Criteria: ACGS Guidelines, 2013. Collection method: clinical testing. Allele origin: germline. Affected: yes. Study: VKGL Data-share Consensus.

Eurofins Ntd Llc (ga)
Classification: Pathogenic. Last evaluated: 2013-11-12. Review status: criteria provided, single submitter. Criteria: EGL Classification Definitions 2015. Collection method: clinical testing. Allele origin: germline. Observed: 2 variant alleles, 2 heterozygotes.

Clinical Genetics Service, Universitary Hospital 12 de Octubre
Classification: Pathogenic for Mucopolysaccharidosis, MPS-III-B. Review status: criteria provided, single submitter. Criteria: ACMG Guidelines, 2015. Collection method: clinical testing. Allele origin: germline. Affected: yes.

Juno Genomics, Hangzhou Juno Genomics, Inc
Classification: Pathogenic for Mucopolysaccharidosis, MPS-III-B. Review status: criteria provided, single submitter. Criteria: ACMG Guidelines, 2015. Collection method: clinical testing. Allele origin: germline.
Comment: Absent from controls (or at extremely low frequency if recessive) in Genome Aggregation Database.;For recessive disorders, detected in trans with a pathogenic variant.;Well-established in vitro or in vivo functional studies supportive of a damaging effect on the gene or gene product.;Novel missense change at an amino acid residue where a different missense change determined to be pathogenic has been seen before.

Counsyl
Classification: Likely pathogenic for Mucopolysaccharidosis, MPS-III-B. Last evaluated: 2017-07-27. Review status: no assertion criteria provided. Collection method: clinical testing. Allele origin: unknown. Not counted in ClinVar's aggregate classification.

OMIM
Classification: Pathogenic for MUCOPOLYSACCHARIDOSIS, TYPE IIIB. Last evaluated: 1996-06-11. Review status: no assertion criteria provided. Collection method: literature only. Allele origin: germline. Not counted in ClinVar's aggregate classification.

Diagnostic Laboratory, Department of Genetics, University Medical Center Groningen
Classification: Pathogenic for Mucopolysaccharidosis, MPS-III-B. Review status: no assertion criteria provided. Collection method: clinical testing. Allele origin: germline. Affected: yes. Study: VKGL Data-share Consensus. Not counted in ClinVar's aggregate classification.

Literature cited by the submitters: PubMed 8650226 (cited by 3 submitters); PubMed 9443875 (cited by 3 submitters); PubMed 9950362 (cited by Labcorp Genetics (formerly Invitae), Labcorp and Counsyl); PubMed 20852935 (cited by Labcorp Genetics (formerly Invitae), Labcorp and Counsyl); PubMed 9443878 (cited by Labcorp Genetics (formerly Invitae), Labcorp and Eurofins Ntd Llc (ga)); PubMed 10094189 (cited by Labcorp Genetics (formerly Invitae), Labcorp); PubMed 9832037 (cited by Eurofins Ntd Llc (ga)).